The following is an entry in ClinVar:

ClinVar aggregate classification (germline): Uncertain significance (1 of 4 stars; one submission).

Conditions:
Neuropathy, hereditary sensory, type 2C. Also called: Hereditary sensory and autonomic neuropathy type IIC; KIF1A-Related HSAN2 (HSAN2C). Identifiers: Orphanet 970, MedGen C3280168, MONDO:0013634, OMIM 614213.
Intellectual disability, autosomal dominant 9 (NESCAVS). Also called: NESCAV SYNDROME; KIF1A-Related Neurodevelopmental Disorder. Identifiers: Orphanet 662367, MedGen C5393830, MONDO:0013656, OMIM 614255.
Hereditary spastic paraplegia 30. Identifiers: Orphanet 101010, MedGen C5235139, MONDO:0012476.

Submission:

Labcorp Genetics (formerly Invitae), Labcorp
Classification: Uncertain significance for Hereditary spastic paraplegia 30; Neuropathy, hereditary sensory, type 2C; Intellectual disability, autosomal dominant 9. Last evaluated: 2022-08-09. Review status: criteria provided, single submitter. Criteria: Invitae Variant Classification Sherloc (09022015). Collection method: clinical testing. Allele origin: germline.
Comment: This variant has not been reported in the literature in individuals affected with KIF1A-related conditions. In summary, the available evidence is currently insufficient to determine the role of this variant in disease. Therefore, it has been classified as a Variant of Uncertain Significance. Advanced modeling of protein sequence and biophysical properties (such as structural, functional, and spatial information, amino acid conservation, physicochemical variation, residue mobility, and thermodynamic stability) performed at Invitae indicates that this missense variant is expected to disrupt KIF1A protein function. This variant is not present in population databases (gnomAD no frequency). This sequence change replaces valine, which is neutral and non-polar, with leucine, which is neutral and non-polar, at codon 359 of the KIF1A protein (p.Val359Leu).

NM_001244008.2(KIF1A):c.1075G>C (p.Val359Leu)

Gene: KIF1A (kinesin family member 1A; minus strand). Cytogenetic location: 2q37.3.
Variant type: single nucleotide variant.
Coding change: c.1075G>C on transcript NM_001244008.2 (MANE Select); coding-DNA position 1075, G replaced by C.
Protein change: p.Val359Leu; replaces valine 359 with leucine.
Molecular consequence: missense variant.
Genome position (GRCh38, 1-based): chr2:240,773,219, C>G on the plus strand (G>C on the coding strand, the complement: KIF1A is on the minus strand). VCF-style: chr2-240773219-C-G. GRCh37 (hg19) VCF-style: chr2-241712636-C-G.
Other names: c.1075G>C, p.Val359Leu (NM_001320705.2, NM_001330289.2, NM_001330290.2 and 21 more transcripts); short protein forms V359L.
Identifiers: ClinVar variation 2079895 (VCV002079895.4), dbSNP rs2125969107, ClinGen allele CA351295755.